The following is an entry in ClinVar:

ClinVar aggregate classification (germline): Conflicting classifications of pathogenicity. Review status: criteria provided, conflicting classifications (1 of 4 stars). 4 submissions from 4 submitters: Uncertain significance (1); Likely benign (2). 1 of the submissions does not count toward it. Last evaluated 2025-11-13.

Conditions:
Ectopia lentis 2, isolated, autosomal recessive (ECTOL2). Identifiers: Orphanet 1885, MedGen C3541474, MONDO:0009152, OMIM 225100.
ADAMTSL4-related disorder. Also called: ADAMTSL4-related condition; ADAMTSL4-Related Disorders.

Allele frequency attached by ClinVar (database versions not stated): gnomAD exomes 0.00008; gnomAD 0.00010 and 0.00011; TOPMed 0.00010; ExAC 0.00018.
gnomAD v4.1: 133 of 1,601,396 alleles (0.0083%); highest among the groups gnomAD compares: Middle Eastern, 0.049%; no homozygotes.

Submissions (4):

Labcorp Genetics (formerly Invitae), Labcorp
Classification: Likely benign. Last evaluated: 2025-11-13. Review status: criteria provided, single submitter. Criteria: Invitae Variant Classification Sherloc (09022015). Collection method: clinical testing. Allele origin: germline.

Blueprint Genetics
Classification: Likely benign. Last evaluated: 2024-09-19. Review status: criteria provided, single submitter. Criteria: ACMG Guidelines, 2015. Collection method: clinical testing. Allele origin: germline.

Illumina Laboratory Services, Illumina
Classification: Uncertain significance for Ectopia lentis 2, isolated, autosomal recessive. Last evaluated: 2018-01-13. Review status: criteria provided, single submitter. Criteria: ICSL Variant Classification Criteria 13 December 2019. Collection method: clinical testing. Allele origin: germline.

PreventionGenetics, part of Exact Sciences
Classification: Likely benign for ADAMTSL4-related condition. Last evaluated: 2019-03-22. Review status: no assertion criteria provided. Collection method: clinical testing. Allele origin: germline. Not counted in ClinVar's aggregate classification.
Comment: This variant is classified as likely benign based on ACMG/AMP sequence variant interpretation guidelines (Richards et al. 2015 PMID: 25741868, with internal and published modifications).

NM_019032.6(ADAMTSL4):c.2157C>T (p.His719=)

Genes: ADAMTSL4 (ADAMTS like 4; plus strand), ADAMTSL4-AS2 (ADAMTSL4 antisense RNA 2; minus strand). Cytogenetic location: 1q21.2.
Variant type: single nucleotide variant.
Coding change: c.2157C>T on transcript NM_019032.6 (MANE Select); coding-DNA position 2157, C replaced by T.
Protein change: p.His719=; no amino-acid change (histidine 719 retained).
Molecular consequence: synonymous variant.
Genome position (GRCh38, 1-based): chr1:150,557,603, C>T. VCF-style: chr1-150557603-C-T. GRCh37 (hg19) VCF-style: chr1-150530079-C-T.
Other names: c.2040C>T, p.His680= (NM_001288607.2); c.2226C>T, p.His742= (NM_001288608.2); c.2157C>T, p.His719= (NM_001378596.1, NM_025008.5); c.2157C>T (NM_019032.5).
Identifiers: ClinVar variation 875325 (VCV000875325.14), dbSNP rs752716704, ClinGen allele CA1078549.
Genomic context (GRCh38, chr1:150,557,603, plus strand): 5'-ACTGGATGAACGCAGCTGTGCCGCGGGTGCCAGGCCCCCAGCCTCCCCTGAACCCTGCCA[C>T]GGCACCCCATGCCCCCCATAGTGAGTATGGGGGAGCCCACGGGGAGGGTTAGGGTACTGG-3'
Protein context (NP_061905.2, residues 709-729): ARPPASPEPC[His719=]GTPCPPYWEA